The following is an entry in ClinVar:

ClinVar aggregate classification (germline): Uncertain significance (1 of 4 stars; one submission).

gnomAD v4.1: 5 of 1,614,202 alleles (0.00031%); highest among the groups gnomAD compares: Non-Finnish European, 0.00034%; no homozygotes.

Submission:

Labcorp Genetics (formerly Invitae), Labcorp
Classification: Uncertain significance. Last evaluated: 2024-10-28. Review status: criteria provided, single submitter. Criteria: Invitae Variant Classification Sherloc (09022015). Collection method: clinical testing. Allele origin: germline.
Comment: This sequence change replaces histidine, which is basic and polar, with arginine, which is basic and polar, at codon 143 of the HPS5 protein (p.His143Arg). This variant is not present in population databases (gnomAD no frequency). This variant has not been reported in the literature in individuals affected with HPS5-related conditions. ClinVar contains an entry for this variant (Variation ID: 2004960). An algorithm developed to predict the effect of missense changes on protein structure and function (PolyPhen-2) suggests that this variant is likely to be disruptive. In summary, the available evidence is currently insufficient to determine the role of this variant in disease. Therefore, it has been classified as a Variant of Uncertain Significance.

NM_181507.2(HPS5):c.428A>G (p.His143Arg)

Gene: HPS5 (HPS5 biogenesis of lysosomal organelles complex 2 subunit 2; minus strand). Cytogenetic location: 11p15.1.
Variant type: single nucleotide variant.
Coding change: c.428A>G on transcript NM_181507.2 (MANE Select); coding-DNA position 428, A replaced by G.
Protein change: p.His143Arg; replaces histidine 143 with arginine.
Molecular consequence: missense variant.
Genome position (GRCh38, 1-based): chr11:18,310,790, T>C on the plus strand (A>G on the coding strand, the complement: HPS5 is on the minus strand). VCF-style: chr11-18310790-T-C. GRCh37 (hg19) VCF-style: chr11-18332337-T-C.
Other names: c.86A>G, p.His29Arg (NM_007216.4, NM_181508.2); short protein forms H29R, H143R.
Identifiers: ClinVar variation 2004960 (VCV002004960.3), dbSNP rs2494188731, ClinGen allele CA379505267.